The following is an entry in ClinVar:

NM_015978.3(TNNI3K):c.1082A>G (p.Asp361Gly)

Genes: TNNI3K (TNNI3 interacting kinase; plus strand), FPGT-TNNI3K (FPGT-TNNI3K readthrough; plus strand). Cytogenetic location: 1p31.1.
Variant type: single nucleotide variant.
Coding change: c.1082A>G on transcript NM_015978.3 (MANE Select); coding-DNA position 1082, A replaced by G.
Protein change: p.Asp361Gly; replaces aspartic acid 361 with glycine.
Molecular consequence: missense variant.
Genome position (GRCh38, 1-based): chr1:74,354,034, A>G. VCF-style: chr1-74354034-A-G. GRCh37 (hg19) VCF-style: chr1-74819718-A-G.
Other names: c.1385A>G, p.Asp462Gly (NM_001112808.3, NM_001199327.2); short protein forms D361G, D462G.
Identifiers: ClinVar variation 1430138 (VCV001430138.7), dbSNP rs370193899, ClinGen allele CA909147.

ClinVar aggregate classification (germline): Uncertain significance. Review status: criteria provided, multiple submitters, no conflicts (2 of 4 stars). 2 submissions from 2 submitters: Uncertain significance (2). Last evaluated 2025-06-18.

Conditions:
Atrial conduction disease. Identifiers: Orphanet 436242, MedGen CN221670, MONDO:0014500.

Allele frequency attached by ClinVar (database versions not stated): ExAC 0.00001; gnomAD 0.00001; gnomAD exomes 0.00001 and 0.00003; TOPMed 0.00001; ESP Exome Variant Server 0.00008.
gnomAD v4.1: 41 of 1,613,946 alleles (0.0025%); highest among the groups gnomAD compares: Non-Finnish European, 0.0035%; no homozygotes.

Submissions (2):

Labcorp Genetics (formerly Invitae), Labcorp
Classification: Uncertain significance. Last evaluated: 2025-06-18. Review status: criteria provided, single submitter. Criteria: Invitae Variant Classification Sherloc (09022015). Collection method: clinical testing. Allele origin: germline.
Comment: This sequence change replaces aspartic acid, which is acidic and polar, with glycine, which is neutral and non-polar, at codon 361 of the TNNI3K protein (p.Asp361Gly). This variant is present in population databases (rs370193899, gnomAD 0.002%). This variant has not been reported in the literature in individuals affected with TNNI3K-related conditions. ClinVar contains an entry for this variant (Variation ID: 1430138). Invitae Evidence Modeling of protein sequence and biophysical properties (such as structural, functional, and spatial information, amino acid conservation, physicochemical variation, residue mobility, and thermodynamic stability) indicates that this missense variant is not expected to disrupt TNNI3K protein function with a negative predictive value of 80%. In summary, the available evidence is currently insufficient to determine the role of this variant in disease. Therefore, it has been classified as a Variant of Uncertain Significance.

Department of Pathology and Laboratory Medicine, Sinai Health System
Classification: Uncertain significance for Cardiac conduction disease with or without dilated cardiomyopathy 1. Last evaluated: 2023-05-23. Review status: criteria provided, single submitter. Criteria: ACMG Guidelines, 2015. Collection method: research. Allele origin: germline.